The following is an entry in ClinVar:

NM_001382567.1(STIM1):c.1828G>A (p.Ala610Thr)

Genes: STIM1 (stromal interaction molecule 1; plus strand), LOC124418421 (Sharpr-MPRA regulatory region 9588; plus strand). Cytogenetic location: 11p15.4.
Variant type: single nucleotide variant.
Coding change: c.1828G>A on transcript NM_001382567.1 (MANE Select); coding-DNA position 1828, G replaced by A.
Protein change: p.Ala610Thr; replaces alanine 610 with threonine.
Molecular consequence: missense variant. On other transcripts: 3 prime UTR variant (4), non-coding transcript variant (3).
Genome position (GRCh38, 1-based): chr11:4,091,475, G>A. VCF-style: chr11-4091475-G-A. GRCh37 (hg19) VCF-style: chr11-4112705-G-A.
Other names: c.1600G>A, p.Ala534Thr (NM_001382569.1); c.1507G>A, p.Ala503Thr (NM_001382570.1); c.1255G>A, p.Ala419Thr (NM_001382571.1); c.1513G>A, p.Ala505Thr (NM_001382575.1, NM_001382576.1, NM_001382577.1); c.*149G>A (NM_001382578.1, NM_001382579.1, NM_001382580.1 and 1 more transcripts); c.1246G>A, p.Ala416Thr (NM_001382581.1); c.1735G>A, p.Ala579Thr (NM_003156.4); c.2053G>A, p.Ala685Thr (NM_001277961.3); and 2 more; short protein forms A416T, A419T, A503T, A505T, A534T, A579T, A586T, A610T.
Identifiers: ClinVar variation 1684452 (VCV001684452.1), dbSNP rs2094524813, ClinGen allele CA379197154.
Genomic context (GRCh38, chr11:4,091,475, plus strand): 5'-CTGATCGAGGGGGTCCACCCAGGGTCTCTGGTGGAGAAACTGCCTGACAGCCCTGCCCTG[G>A]CCAAGAAGGCATTACTGGCGCTGAACCATGGGCTGGACAAGGCCCACAGCCTGATGGAGC-3'
Protein context (NP_001369496.1, residues 600-620): VEKLPDSPAL[Ala610Thr]KKALLALNHG

ClinVar aggregate classification (germline): Uncertain significance (0 of 4 stars; one submission).

Conditions:
Stormorken syndrome (STRMK). Also called: THROMBOCYTOPATHY, ASPLENIA, AND MIOSIS. Identifiers: Orphanet 3204, MedGen C1861451, MONDO:0008497, OMIM 185070.

Allele frequency attached by ClinVar (database versions not stated): TOPMed below 0.00001; gnomAD 0.00001.
gnomAD v4.1: 1 of 1,614,046 alleles (0.000062%); highest among the groups gnomAD compares: Non-Finnish European, 0.000085%; no homozygotes.

Submission:

ISTH-SSC Genomics in Thrombosis and Hemostasis, KU Leuven, Center for Molecular and Vascular Biology
Classification: Uncertain significance for Stormorken syndrome. Review status: no assertion criteria provided. Collection method: research. Allele origin: unknown. Affected: yes.
Comment: Submitted to GoldVariant by Neil Morgan from Birmingham Platelet Group, Birmingham, UK